The following is an entry in ClinVar:

ClinVar aggregate classification (germline): Uncertain significance (1 of 4 stars; one submission).

Conditions:
Autoimmune lymphoproliferative syndrome type 2A (ALPS2A). Also called: Autoimmune lymphoproliferative syndrome type 2; CASP10-Related Autoimmune Lymphoproliferative Syndrome; AUTOIMMUNE LYMPHOPROLIFERATIVE SYNDROME, TYPE IIA. Identifiers: Orphanet 3261, MedGen C1858968, MONDO:0011383, OMIM 603909.

Allele frequency attached by ClinVar (database versions not stated): gnomAD exomes below 0.00001.
gnomAD v4.1: 1 of 1,613,652 alleles (0.000062%); highest among the groups gnomAD compares: Non-Finnish European, 0.000085%; no homozygotes.

Submission:

Labcorp Genetics (formerly Invitae), Labcorp
Classification: Uncertain significance for Autoimmune lymphoproliferative syndrome type 2A. Last evaluated: 2022-03-01. Review status: criteria provided, single submitter. Criteria: Invitae Variant Classification Sherloc (09022015). Collection method: clinical testing. Allele origin: germline.
Comment: This sequence change replaces glutamine, which is neutral and polar, with leucine, which is neutral and non-polar, at codon 229 of the CASP10 protein (p.Gln229Leu). In summary, the available evidence is currently insufficient to determine the role of this variant in disease. Therefore, it has been classified as a Variant of Uncertain Significance. Algorithms developed to predict the effect of sequence changes on RNA splicing suggest that this variant may disrupt the consensus splice site. Algorithms developed to predict the effect of missense changes on protein structure and function output the following: SIFT: "Deleterious"; PolyPhen-2: "Benign"; Align-GVGD: "Class C0". The leucine amino acid residue is found in multiple mammalian species, which suggests that this missense change does not adversely affect protein function. This variant has not been reported in the literature in individuals affected with CASP10-related conditions. This variant is not present in population databases (gnomAD no frequency).

NM_032977.4(CASP10):c.686A>T (p.Gln229Leu)

Gene: CASP10 (caspase 10; plus strand). Cytogenetic location: 2q33.1.
Variant type: single nucleotide variant.
Coding change: c.686A>T on transcript NM_032977.4 (MANE Select); coding-DNA position 686, A replaced by T.
Protein change: p.Gln229Leu; replaces glutamine 229 with leucine.
Molecular consequence: missense variant. On other transcripts: intron variant (2).
Genome position (GRCh38, 1-based): chr2:201,203,731, A>T. VCF-style: chr2-201203731-A-T. GRCh37 (hg19) VCF-style: chr2-202068454-A-T.
Other names: c.686A>T, p.Gln229Leu (NM_001206524.2, NM_032974.5, NM_032976.4); c.685-4344A>T (NM_001206542.2, NM_001230.5); short protein forms Q229L.
Identifiers: ClinVar variation 2105217 (VCV002105217.4), dbSNP rs1267766784, ClinGen allele CA350282676.